The following is an entry in ClinVar:

NM_001184880.2(PCDH19):c.1568A>C (p.His523Pro)

Gene: PCDH19 (protocadherin 19; minus strand). Cytogenetic location: Xq22.1.
Variant type: single nucleotide variant.
Coding change: c.1568A>C on transcript NM_001184880.2 (MANE Select); coding-DNA position 1568, A replaced by C.
Protein change: p.His523Pro; replaces histidine 523 with proline.
Molecular consequence: missense variant.
Genome position (GRCh38, 1-based): chrX:100,407,030, T>G on the plus strand (A>C on the coding strand, the complement: PCDH19 is on the minus strand). VCF-style: chrX-100407030-T-G. GRCh37 (hg19) VCF-style: chrX-99662028-T-G.
Other names: c.1568A>C, p.His523Pro (NM_001105243.2, NM_020766.3); short protein forms H523P.
Identifiers: ClinVar variation 962558 (VCV000962558.10), dbSNP rs1928379105, ClinGen allele CA414002444.

ClinVar aggregate classification (germline): Uncertain significance (1 of 4 stars; one submission).

Conditions:
Developmental and epileptic encephalopathy, 9 (DEE9). Also called: EPILEPSY, FEMALE-RESTRICTED, WITH MENTAL RETARDATION; JUBERG-HELLMAN SYNDROME; Early infantile epileptic encephalopathy 9; PCDH19-Related X-Linked Female-Limited Epilepsy with Mental Retardation. Identifiers: Orphanet 101039, Orphanet 2076, MedGen C1848137, MONDO:0010246, OMIM 300088. Disease mechanism: loss of function.

Submission:

Labcorp Genetics (formerly Invitae), Labcorp
Classification: Uncertain significance for Developmental and epileptic encephalopathy, 9. Last evaluated: 2019-09-17. Review status: criteria provided, single submitter. Criteria: Invitae Variant Classification Sherloc (09022015). Collection method: clinical testing. Allele origin: germline.
Comment: In summary, the available evidence is currently insufficient to determine the role of this variant in disease. Therefore, it has been classified as a Variant of Uncertain Significance. Algorithms developed to predict the effect of missense changes on protein structure and function (SIFT, PolyPhen-2, Align-GVGD) all suggest that this variant is likely to be disruptive, but these predictions have not been confirmed by published functional studies and their clinical significance is uncertain. This variant has not been reported in the literature in individuals with PCDH19-related conditions. This variant is not present in population databases (ExAC no frequency). This sequence change replaces histidine with proline at codon 523 of the PCDH19 protein (p.His523Pro). The histidine residue is highly conserved and there is a moderate physicochemical difference between histidine and proline.